The following is an entry in ClinVar:

NM_001330260.2(SCN8A):c.1093C>T (p.Arg365Cys)

Gene: SCN8A (sodium voltage-gated channel alpha subunit 8; plus strand). Cytogenetic location: 12q13.13.
Variant type: single nucleotide variant.
Coding change: c.1093C>T on transcript NM_001330260.2 (MANE Select); coding-DNA position 1093, C replaced by T.
Protein change: p.Arg365Cys; replaces arginine 365 with cysteine.
Molecular consequence: missense variant.
Genome position (GRCh38, 1-based): chr12:51,702,873, C>T. VCF-style: chr12-51702873-C-T. GRCh37 (hg19) VCF-style: chr12-52096657-C-T.
Other names: c.1093C>T, p.Arg365Cys (NM_001177984.3, NM_001369788.1, NM_014191.4); c.1093C>T (NM_014191.3); short protein forms R365C.
Identifiers: ClinVar variation 1236195 (VCV001236195.4), dbSNP rs867660463, ClinGen allele CA236263233.

ClinVar aggregate classification (germline): Conflicting classifications of pathogenicity. Review status: criteria provided, conflicting classifications (1 of 4 stars). 4 submissions from 4 submitters: Likely pathogenic (1); Uncertain significance (2). 1 of the submissions does not count toward it. Last evaluated 2026-05-31.

Conditions:
Cognitive impairment with or without cerebellar ataxia (CIAT). Identifiers: MedGen C3280415, MONDO:0013680, OMIM 614306.
Seizure. Also called: Seizures. Identifiers: MedGen C0036572, HP:0001250.
Global developmental delay (DD). Also called: Cognitive delay. Identifiers: MedGen C0557874, HP:0001263. Disease mechanism: loss of function.
Developmental and epileptic encephalopathy, 13 (DEE13). Also called: Early infantile epileptic encephalopathy 13; SCN8A-Related Epilepsy; Developmental and Epileptic Encephalopathy (SCN8A-DEE). Identifiers: Orphanet 442835, MedGen C3281191, MONDO:0013801, OMIM 614558.

Submissions (4):

Victorian Clinical Genetics Services, Murdoch Childrens Research Institute
Classification: Uncertain significance for Cognitive impairment with or without cerebellar ataxia. Last evaluated: 2026-05-31. Review status: criteria provided, single submitter. Criteria: ACMG Guidelines, 2015. Collection method: clinical testing. Allele origin: germline. Affected: yes.
Comment: This variant is classified as VUS-3A. Evidence in support of pathogenic classification: Variant is absent from gnomAD (v2, v3 and v4); This variant has limited previous evidence of pathogenicity in unrelated individual(s). This variant has been classified as a VUS by a clinical laboratory in ClinVar. In addition, this variant has been reported as compound heterozygous in the literature in an individual with developmental and epileptic encephalopathy, and classified as likely pathogenic. Both heterozygous parents were reported to have mild cognitive impairment (PMID: 38703036); Missense variant in a region that is highly intolerant to missense variation (high constraint region in DECIPHER); Missense variant predicted to be damaging by in silico tool(s) or highly conserved with a major amino acid change. Additional information: Variant is predicted to result in a missense amino acid change from Arg to Cys; This variant is heterozygous; This gene is associated with autosomal dominant disease; No published functional evidence has been identified for this variant; Another missense variant(s) comparable to the one identified in this case has conflicting previous evidence for pathogenicity. p.(Arg365His) has been classified as a VUS and pathogenic by clinical laboratories in ClinVar, and is reported in the literature in a heterozygous individual in a childhood epilepsy cohort (PMID: 31440721); Loss of function and gain of function are known mechanisms of disease in this gene, and are associated with cognitive impairment with or without cerebellar ataxia (MIM#614306) and developmental and epileptic encephalopathy 13 (MIM#614558), respectively. In addition, gain of function is speculated for seizures, benign familial infantile, 5 (MIM#617080) (PMID: 31904124, OMIM); Variants in this gene are known to have variable expressivity (PMID: 27559564); Inheritance information for this variant is not currently available in this individual.

GeneDx
Classification: Uncertain significance. Last evaluated: 2024-10-21. Review status: criteria provided, single submitter. Criteria: GeneDx Variant Classification Process June 2021. Collection method: clinical testing. Allele origin: germline. Affected: yes.
Comment: Not observed at significant frequency in large population cohorts (gnomAD); In silico analysis supports that this missense variant has a deleterious effect on protein structure/function; This substitution is predicted to be within the pore forming loop between the S5 and S6 transmembrane segments of the first homologous domain;; Has not been previously published as pathogenic or benign to our knowledge

Service de Génétique Médicale, Centre Hospitalier Universitaire de Nice-Université Côte d'Azur
Classification: Likely pathogenic for Developmental and epileptic encephalopathy, 13. Last evaluated: 2024-02-27. Review status: criteria provided, single submitter. Criteria: ACMG Guidelines, 2015. Collection method: clinical testing. Allele origin: germline. Affected: yes.

Cytogénomique, Hospices Civils de Lyon
Classification: Likely pathogenic for Seizure; Global developmental delay. Review status: no assertion criteria provided. Collection method: clinical testing. Allele origin: paternal. Inheritance: Autosomal recessive inheritance. Affected: yes. Not counted in ClinVar's aggregate classification.
Comment: In slico predictions are in favor of a LOF mechanism which is consitent with the parents' phenotype.

Literature cited by the submitters: PubMed 31440721 (cited by Victorian Clinical Genetics Services, Murdoch Childrens Research Institute); PubMed 31904124 (cited by Victorian Clinical Genetics Services, Murdoch Childrens Research Institute); PubMed 38703036 (cited by Victorian Clinical Genetics Services, Murdoch Childrens Research Institute and Service de Génétique Médicale, Centre Hospitalier Universitaire de Nice-Université Côte d'Azur); PubMed 27559564 (cited by Victorian Clinical Genetics Services, Murdoch Childrens Research Institute).